The following is an entry in ClinVar:

ClinVar aggregate classification (germline): Uncertain significance. Review status: criteria provided, multiple submitters, no conflicts (2 of 4 stars). 2 submissions from 2 submitters: Uncertain significance (2). Last evaluated 2024-07-06.

Allele frequency attached by ClinVar (database versions not stated): ExAC 0.00001; TOPMed 0.00002; gnomAD 0.00004.
gnomAD v4.1: 18 of 1,613,938 alleles (0.0011%); highest among the groups gnomAD compares: African/African-American, 0.011%; no homozygotes.

Submissions (2):

Labcorp Genetics (formerly Invitae), Labcorp
Classification: Uncertain significance. Last evaluated: 2024-07-06. Review status: criteria provided, single submitter. Criteria: Invitae Variant Classification Sherloc (09022015). Collection method: clinical testing. Allele origin: germline.
Comment: This sequence change replaces alanine, which is neutral and non-polar, with threonine, which is neutral and polar, at codon 446 of the MICAL1 protein (p.Ala446Thr). The frequency data for this variant in the population databases is considered unreliable, as metrics indicate poor data quality at this position in the gnomAD database. This variant has not been reported in the literature in individuals affected with MICAL1-related conditions. ClinVar contains an entry for this variant (Variation ID: 1906599). Algorithms developed to predict the effect of missense changes on protein structure and function output the following: SIFT: "Not Available"; PolyPhen-2: "Benign"; Align-GVGD: "Not Available". The threonine amino acid residue is found in multiple mammalian species, which suggests that this missense change does not adversely affect protein function. In summary, the available evidence is currently insufficient to determine the role of this variant in disease. Therefore, it has been classified as a Variant of Uncertain Significance.

Ambry Genetics
Classification: Uncertain significance. Last evaluated: 2024-05-30. Review status: criteria provided, single submitter. Criteria: Ambry Variant Classification Scheme 2023. Collection method: clinical testing. Allele origin: germline.

NM_022765.4(MICAL1):c.1279G>A (p.Ala427Thr)

Gene: MICAL1 (microtubule associated monooxygenase, calponin and LIM domain containing 1; minus strand). Cytogenetic location: 6q21.
Variant type: single nucleotide variant.
Coding change: c.1279G>A on transcript NM_022765.4 (MANE Select); coding-DNA position 1279, G replaced by A.
Protein change: p.Ala427Thr; replaces alanine 427 with threonine.
Molecular consequence: missense variant.
Genome position (GRCh38, 1-based): chr6:109,449,998, C>T on the plus strand (G>A on the coding strand, the complement: MICAL1 is on the minus strand). VCF-style: chr6-109449998-C-T. GRCh37 (hg19) VCF-style: chr6-109771201-C-T.
Other names: c.1021G>A, p.Ala341Thr (NM_001159291.2); c.1336G>A, p.Ala446Thr (NM_001286613.2); c.1279G>A (NM_022765.3); short protein forms A341T, A446T, A427T.
Identifiers: ClinVar variation 1906599 (VCV001906599.6), dbSNP rs761763263, ClinGen allele CA3953455.
Genomic context (GRCh38, chr6:109,449,998, plus strand): 5'-CCTGCCCACATCCTCCTCAACTCAGGTCTTACCGCTCAGCCAACACCTCTAGGGACTCAG[C>T]GCCCTCTGCCCACCGCTTCACCATCCAGGCTGCATCAAAGGCTGCCAGGAAGCCCCGTGC-3'
Protein context (NP_073602.3, residues 417-437): AWMVKRWAEG[Ala427Thr]ESLEVLAERE